The following is an entry in ClinVar:

ClinVar aggregate classification (germline): Pathogenic (1 of 4 stars; one submission).

Submission:

Labcorp Genetics (formerly Invitae), Labcorp
Classification: Pathogenic. Last evaluated: 2022-11-08. Review status: criteria provided, single submitter. Criteria: Invitae Variant Classification Sherloc (09022015). Collection method: clinical testing. Allele origin: germline.
Comment: For these reasons, this variant has been classified as Pathogenic. This variant has not been reported in the literature in individuals affected with TTPA-related conditions. This variant is not present in population databases (gnomAD no frequency). This sequence change creates a premature translational stop signal (p.Gln145*) in the TTPA gene. It is expected to result in an absent or disrupted protein product. Loss-of-function variants in TTPA are known to be pathogenic (PMID: 9463307, 26068213).

Literature cited by the submitters: PubMed 9463307; PubMed 26068213.

NM_000370.3(TTPA):c.433C>T (p.Gln145Ter)

Gene: TTPA (alpha tocopherol transfer protein; minus strand). Cytogenetic location: 8q12.3.
Variant type: single nucleotide variant.
Coding change: c.433C>T on transcript NM_000370.3 (MANE Select); coding-DNA position 433, C replaced by T.
Protein change: p.Gln145Ter; replaces glutamine 145 with a stop codon.
Molecular consequence: nonsense.
Genome position (GRCh38, 1-based): chr8:63,066,023, G>A on the plus strand (C>T on the coding strand, the complement: TTPA is on the minus strand). VCF-style: chr8-63066023-G-A. GRCh37 (hg19) VCF-style: chr8-63978582-G-A.
Other names: c.433C>T, p.Gln145Ter (NM_001413416.1); c.550C>T, p.Gln184Ter (NM_001413418.1); short protein forms Q184*, Q145*.
Identifiers: ClinVar variation 2054578 (VCV002054578.4), dbSNP rs778952721, ClinGen allele CA371332822.
Genomic context (GRCh38, chr8:63,066,023, plus strand): 5'-ACTGCCAACCTTCCAGATCAAAGATAGCCTTGATTCCATTCCGCTGAGTTTCTACCTCCT[G>A]TACAATAAGCTCGGATGTGATTAGACTTACTCGAAATACGTCATAAGCTGTAAAAACTTT-3'